The following is an entry in ClinVar:

ClinVar aggregate classification (germline): Uncertain significance (1 of 4 stars; one submission).

Conditions:
Long QT syndrome (LQTS). Identifiers: MedGen C0023976, MeSH D008133, MONDO:0002442. Disease mechanism: loss of function. Inheritance: Various modes of inheritance.

Submission:

Labcorp Genetics (formerly Invitae), Labcorp
Classification: Uncertain significance for Long QT syndrome. Last evaluated: 2025-04-30. Review status: criteria provided, single submitter. Criteria: Invitae Variant Classification Sherloc (09022015). Collection method: clinical testing. Allele origin: germline.
Comment: This sequence change replaces leucine, which is neutral and non-polar, with valine, which is neutral and non-polar, at codon 1432 of the AKAP9 protein (p.Leu1432Val). This variant is not present in population databases (gnomAD no frequency). This variant has not been reported in the literature in individuals affected with AKAP9-related conditions. An algorithm developed to predict the effect of missense changes on protein structure and function (PolyPhen-2) suggests that this variant is likely to be disruptive. In summary, the available evidence is currently insufficient to determine the role of this variant in disease. Therefore, it has been classified as a Variant of Uncertain Significance.

NM_005751.5(AKAP9):c.4294C>G (p.Leu1432Val)

Gene: AKAP9 (A-kinase anchoring protein 9; plus strand). Cytogenetic location: 7q21.2.
Variant type: single nucleotide variant.
Coding change: c.4294C>G on transcript NM_005751.5 (MANE Select); coding-DNA position 4294, C replaced by G.
Protein change: p.Leu1432Val; replaces leucine 1432 with valine.
Molecular consequence: missense variant.
Genome position (GRCh38, 1-based): chr7:92,031,560, C>G. VCF-style: chr7-92031560-C-G. GRCh37 (hg19) VCF-style: chr7-91660874-C-G.
Other names: c.4294C>G, p.Leu1432Val (NM_147185.3); short protein forms L1432V.
Identifiers: ClinVar variation 4718703 (VCV004718703.1).
Genomic context (GRCh38, chr7:92,031,560, plus strand): 5'-TTTTAAATGTAGTTTTCTGGTGAATTTGGAGTGAAAGAGGAAACAAATATCGTTAAGTTG[C>G]TTGAAAAACAATACCAAGAACAATTAGAAGAAGAAGTAGCTAAGGTAGGCTTATAGCTTA-3'
Protein context (NP_005742.4, residues 1422-1442): VKEETNIVKL[Leu1432Val]EKQYQEQLEE